The following is an entry in ClinVar:

NM_001367624.2(ZNF469):c.11378C>T (p.Pro3793Leu)

Gene: ZNF469 (zinc finger protein 469; plus strand). Cytogenetic location: 16q24.2.
Variant type: single nucleotide variant.
Coding change: c.11378C>T on transcript NM_001367624.2 (MANE Select); coding-DNA position 11378, C replaced by T.
Protein change: p.Pro3793Leu; replaces proline 3793 with leucine.
Molecular consequence: missense variant.
Genome position (GRCh38, 1-based): chr16:88,438,848, C>T. VCF-style: chr16-88438848-C-T. GRCh37 (hg19) VCF-style: chr16-88505256-C-T.
Other names: NM_001127464.1:c.11294C>T; short protein forms P3793L.
Identifiers: ClinVar variation 1402445 (VCV001402445.7), dbSNP rs1262682961, ClinGen allele CA397129914.

ClinVar aggregate classification (germline): Uncertain significance. Review status: criteria provided, multiple submitters, no conflicts (2 of 4 stars). 2 submissions from 2 submitters: Uncertain significance (2). Last evaluated 2024-11-27.

Conditions:
Cardiovascular phenotype. Identifiers: MedGen CN230736.

Allele frequency attached by ClinVar (database versions not stated): TOPMed 0.00001; gnomAD exomes 0.00002 and 0.00003; 1000 Genomes Project 30x 0.00016.
gnomAD v4.1: 44 of 1,550,382 alleles (0.0028%); highest among the groups gnomAD compares: Non-Finnish European, 0.0032%; no homozygotes.

Submissions (2):

Ambry Genetics
Classification: Uncertain significance for Cardiovascular phenotype. Last evaluated: 2024-11-27. Review status: criteria provided, single submitter. Criteria: Ambry Variant Classification Scheme 2023. Collection method: clinical testing. Allele origin: germline.

Labcorp Genetics (formerly Invitae), Labcorp
Classification: Uncertain significance. Last evaluated: 2021-07-28. Review status: criteria provided, single submitter. Criteria: Invitae Variant Classification Sherloc (09022015). Collection method: clinical testing. Allele origin: germline.
Comment: This sequence change replaces proline with leucine at codon 3765 of the ZNF469 protein (p.Pro3765Leu). The proline residue is moderately conserved and there is a moderate physicochemical difference between proline and leucine. This variant is not present in population databases (ExAC no frequency). This variant has not been reported in the literature in individuals affected with ZNF469-related conditions. Algorithms developed to predict the effect of missense changes on protein structure and function output the following: SIFT: "Tolerated"; PolyPhen-2: "Benign"; Align-GVGD: "Class C0". The leucine amino acid residue is found in multiple mammalian species, which suggests that this missense change does not adversely affect protein function. In summary, the available evidence is currently insufficient to determine the role of this variant in disease. Therefore, it has been classified as a Variant of Uncertain Significance.